The following is an entry in ClinVar:

NM_000815.5(GABRD):c.668C>T (p.Thr223Met)

Gene: GABRD (gamma-aminobutyric acid type A receptor subunit delta; plus strand). Cytogenetic location: 1p36.33.
Variant type: single nucleotide variant.
Coding change: c.668C>T on transcript NM_000815.5 (MANE Select); coding-DNA position 668, C replaced by T.
Protein change: p.Thr223Met; replaces threonine 223 with methionine.
Molecular consequence: missense variant.
Genome position (GRCh38, 1-based): chr1:2,028,269, C>T. VCF-style: chr1-2028269-C-T. GRCh37 (hg19) VCF-style: chr1-1959708-C-T.
Other names: short protein forms T223M.
Identifiers: ClinVar variation 218470 (VCV000218470.8), dbSNP rs369511458, ClinGen allele CA249373.

ClinVar aggregate classification (germline): Uncertain significance. Review status: criteria provided, multiple submitters, no conflicts (2 of 4 stars). 2 submissions from 2 submitters: Uncertain significance (2). Last evaluated 2026-01-14.

Conditions:
Idiopathic generalized epilepsy. Also called: Generalised epilepsy; EIG. Identifiers: MedGen C0270850, MONDO:0005579, OMIM 600669.

Allele frequency attached by ClinVar (database versions not stated): gnomAD exomes 0.00002 and 0.00003; ExAC 0.00004; gnomAD 0.00005 and 0.00008; ESP Exome Variant Server 0.00008; TOPMed 0.00009.
gnomAD v4.1: 43 of 1,611,838 alleles (0.0027%); highest among the groups gnomAD compares: Admixed American, 0.015%; 1 homozygote.

Submissions (2):

Labcorp Genetics (formerly Invitae), Labcorp
Classification: Uncertain significance for Idiopathic generalized epilepsy. Last evaluated: 2026-01-14. Review status: criteria provided, single submitter. Criteria: Invitae Variant Classification Sherloc (09022015). Collection method: clinical testing. Allele origin: germline.
Comment: This sequence change replaces threonine, which is neutral and polar, with methionine, which is neutral and non-polar, at codon 223 of the GABRD protein (p.Thr223Met). This variant is present in population databases (rs369511458, gnomAD 0.01%). This variant has not been reported in the literature in individuals affected with GABRD-related conditions. ClinVar contains an entry for this variant (Variation ID: 218470). An algorithm developed to predict the effect of missense changes on protein structure and function (PolyPhen-2) suggests that this variant is likely to be disruptive. In summary, the available evidence is currently insufficient to determine the role of this variant in disease. Therefore, it has been classified as a Variant of Uncertain Significance.

Genomic Diagnostic Laboratory, Division of Genomic Diagnostics, Children's Hospital of Philadelphia
Classification: Uncertain significance. Last evaluated: 2015-04-14. Review status: criteria provided, single submitter. Criteria: DGD Variant Analysis Guidelines. Collection method: clinical testing. Allele origin: unknown.